The following is an entry in ClinVar:

ClinVar aggregate classification (germline): Uncertain significance. Review status: criteria provided, multiple submitters, no conflicts (2 of 4 stars). 3 submissions from 3 submitters: Uncertain significance (3). Last evaluated 2025-10-29.

Conditions:
Leber congenital amaurosis 13 (LCA13). Identifiers: MedGen C2675186, MONDO:0012990, OMIM 612712.

Allele frequency attached by ClinVar (database versions not stated): ExAC 0.00003; gnomAD 0.00007 and 0.00009.
gnomAD v4.1: 17 of 1,612,156 alleles (0.0011%); highest among the groups gnomAD compares: African/African-American, 0.023%; no homozygotes.

Submissions (4):

Labcorp Genetics (formerly Invitae), Labcorp
Classification: Uncertain significance for Leber congenital amaurosis 13. Last evaluated: 2025-10-29. Review status: criteria provided, single submitter. Criteria: Invitae Variant Classification Sherloc (09022015). Collection method: clinical testing. Allele origin: germline.
Comment: This sequence change falls in intron 3 of the RDH12 gene. It does not directly change the encoded amino acid sequence of the RDH12 protein. It affects a nucleotide within the consensus splice site. This variant is present in population databases (rs757501261, gnomAD 0.03%). This variant has not been reported in the literature in individuals affected with RDH12-related conditions. ClinVar contains an entry for this variant (Variation ID: 1308595). Variants that disrupt the consensus splice site are a relatively common cause of aberrant splicing (PMID: 17576681, 9536098). Algorithms developed to predict the effect of sequence changes on RNA splicing suggest that this variant may disrupt the consensus splice site. In summary, the available evidence is currently insufficient to determine the role of this variant in disease. Therefore, it has been classified as a Variant of Uncertain Significance.

Women's Health and Genetics/Laboratory Corporation of America, LabCorp
Classification: Uncertain significance. Last evaluated: 2024-08-31. Review status: criteria provided, single submitter. Criteria: LabCorp Variant Classification Summary - May 2015. Collection method: clinical testing. Allele origin: germline.

GeneDx
Classification: Uncertain significance. Last evaluated: 2019-04-15. Review status: criteria provided, single submitter. Criteria: GeneDx Variant Classification Process June 2021. Collection method: clinical testing. Allele origin: germline. Affected: yes.
Comment: Has not been previously published as pathogenic or benign to our knowledge; In-silico analysis, which includes splice predictors and evolutionary conservation, is inconclusive as to whether the variant alters gene splicing. In the absence of RNA/functional studies, the actual effect of this sequence change is unknown.

Dr. Peter K. Rogan Lab, Western University
No classification provided (evidence only). Condition: Familial cancer of breast. Review status: no classification provided. Collection method: in vitro. Allele origin: not applicable. Functional consequence: retained intron. Not counted in ClinVar's aggregate classification.

Literature cited by the submitters: PubMed 17576681 (cited by Labcorp Genetics (formerly Invitae), Labcorp); PubMed 9536098 (cited by Labcorp Genetics (formerly Invitae), Labcorp).

NM_152443.3(RDH12):c.68+6T>C

Genes: GPHN (gephyrin; plus strand), RDH12 (retinol dehydrogenase 12; plus strand). Cytogenetic location: 14q24.1.
Variant type: single nucleotide variant.
Coding change: c.68+6T>C on transcript NM_152443.3 (MANE Select); 6 bases into the intron after coding-DNA position 68, T replaced by C.
Molecular consequence: intron variant.
Genome position (GRCh38, 1-based): chr14:67,722,716, T>C. VCF-style: chr14-67722716-T-C. GRCh37 (hg19) VCF-style: chr14-68189433-T-C.
Identifiers: ClinVar variation 1308595 (VCV001308595.6), dbSNP rs757501261, ClinGen allele CA7238576.